The following is an entry in ClinVar:

NM_004380.3(CREBBP):c.181C>A (p.Pro61Thr)

Gene: CREBBP (CREB binding lysine acetyltransferase; minus strand). Cytogenetic location: 16p13.3.
Variant type: single nucleotide variant.
Coding change: c.181C>A on transcript NM_004380.3 (MANE Select); coding-DNA position 181, C replaced by A.
Protein change: p.Pro61Thr; replaces proline 61 with threonine.
Molecular consequence: missense variant.
Genome position (GRCh38, 1-based): chr16:3,850,914, G>T on the plus strand (C>A on the coding strand, the complement: CREBBP is on the minus strand). VCF-style: chr16-3850914-G-T. GRCh37 (hg19) VCF-style: chr16-3900915-G-T.
Other names: c.181C>A (NM_004380.2); c.181C>A, p.Pro61Thr (NM_001079846.1); short protein forms P61T.
Identifiers: ClinVar variation 1914052 (VCV001914052.6), dbSNP rs929503319, ClinGen allele CA276987666.

ClinVar aggregate classification (germline): Benign. Review status: criteria provided, single submitter (1 of 4 stars). 2 submissions from 2 submitters: Benign (1). 1 of the submissions does not count toward it. Last evaluated 2022-11-19.

Conditions:
Rubinstein-Taybi syndrome (RSTS). Identifiers: Orphanet 783, MedGen C0035934, MONDO:0019188.
CREBBP-related disorder. Also called: CREBBP-related disorders; CREBBP-related condition.

Allele frequency attached by ClinVar (database versions not stated): TOPMed 0.00003; gnomAD 0.00006.
gnomAD v4.1: 10 of 1,614,018 alleles (0.00062%); highest among the groups gnomAD compares: African/African-American, 0.013%; no homozygotes.

Submissions (2):

Labcorp Genetics (formerly Invitae), Labcorp
Classification: Benign for Rubinstein-Taybi syndrome. Last evaluated: 2022-11-19. Review status: criteria provided, single submitter. Criteria: Invitae Variant Classification Sherloc (09022015). Collection method: clinical testing. Allele origin: germline.

PreventionGenetics, part of Exact Sciences
Classification: Uncertain significance for CREBBP-related condition. Last evaluated: 2024-07-21. Review status: no assertion criteria provided. Collection method: clinical testing. Allele origin: germline. Not counted in ClinVar's aggregate classification.
Comment: The CREBBP c.181C>A variant is predicted to result in the amino acid substitution p.Pro61Thr. To our knowledge, this variant has not been reported in the literature. This variant is reported in 0.023% of alleles in individuals of African descent in gnomAD. Although we suspect that this variant may be benign, at this time, the clinical significance of this variant is uncertain due to the absence of conclusive functional and genetic evidence.